The following is an entry in ClinVar:

ClinVar aggregate classification (germline): Uncertain significance (1 of 4 stars; one submission).

Submission:

Women's Health and Genetics/Laboratory Corporation of America, LabCorp
Classification: Uncertain significance. Last evaluated: 2026-01-08. Review status: criteria provided, single submitter. Criteria: LabCorp Variant Classification Summary - May 2015. Collection method: clinical testing. Allele origin: germline.
Comment: Variant summary: The variant involves the duplication of exons 9-27 in the KMT2E gene. The exact breakpoint at the 3' end of this variant is unknown, therefore this duplication may extend downstream of the annotated region of the gene. As it duplicates the termination codon, its effect on the encoded protein is unknown. A presumed nomenclature of c.(729+1_730-1)_(*1687_?)dup has been designated for the purposes of this classification. The variant was absent in 21694 control chromosomes. The available data on variant occurrences in the general population are insufficient to allow any conclusion about variant significance. To our knowledge, no occurrence of c.(729+1_730-1)_(*1687_?)dup in individuals affected with KMT2E-related conditions and no experimental evidence demonstrating its impact on protein function have been reported. No submitters have cited clinical-significance assessments for this variant to ClinVar. Based on the evidence outlined above, the variant was classified as uncertain significance.

NC_000007.13:g.(104715263_104716489)_(104755467_?)dup

Gene: KMT2E (lysine methyltransferase 2E (inactive); plus strand). Cytogenetic location: 7q22.3.
Variant type: Duplication.
Identifiers: ClinVar variation 4689534 (VCV004689534.1).